The following is an entry in ClinVar:

ClinVar aggregate classification (germline): Benign. Review status: criteria provided, multiple submitters, no conflicts (2 of 4 stars). 6 submissions from 6 submitters: Benign (6). Last evaluated 2026-02-04.

Conditions:
Fraser syndrome 1 (FRASRS1). Also called: CRYPTOPHTHALMOS WITH OTHER MALFORMATIONS. Identifiers: Orphanet 2052, MedGen C4551480, MONDO:0054737, OMIM 219000.

Allele frequency attached by ClinVar (database versions not stated): 1000 Genomes Project 0.16094; 1000 Genomes Project 30x 0.16849; gnomAD exomes 0.20382; gnomAD 0.22036 and 0.23030; TOPMed 0.22274; ESP Exome Variant Server 0.24788.
gnomAD v4.1: 330,127 of 1,612,948 alleles (20%); highest among the groups gnomAD compares: African/African-American, 33%; 37,424 homozygotes.

Submissions (6):

Labcorp Genetics (formerly Invitae), Labcorp
Classification: Benign. Last evaluated: 2026-02-04. Review status: criteria provided, single submitter. Criteria: Invitae Variant Classification Sherloc (09022015). Collection method: clinical testing. Allele origin: germline.

Blueprint Genetics
Classification: Benign. Last evaluated: 2024-11-26. Review status: criteria provided, single submitter. Criteria: ACMG Guidelines, 2015. Collection method: clinical testing. Allele origin: germline.

Mayo Clinic Laboratories, Mayo Clinic
Classification: Benign. Last evaluated: 2022-03-09. Review status: criteria provided, single submitter. Criteria: ACMG Guidelines, 2015. Collection method: clinical testing. Allele origin: germline. Observed: 25 variant alleles.

Illumina Laboratory Services, Illumina
Classification: Benign for Fraser syndrome 1. Last evaluated: 2018-01-13. Review status: criteria provided, single submitter. Criteria: ICSL Variant Classification Criteria 13 December 2019. Collection method: clinical testing. Allele origin: germline.
Comment: This variant was observed in the ICSL laboratory as part of a predisposition screen in an ostensibly healthy population. It had not been previously curated by ICSL or reported in the Human Gene Mutation Database (HGMD: prior to June 1st, 2018), and was therefore a candidate for classification through an automated scoring system. Utilizing variant allele frequency, disease prevalence and penetrance estimates, and inheritance mode, an automated score was calculated to assess if this variant is too frequent to cause the disease. Based on the score and internal cut-off values, a variant classified as benign is not then subjected to further curation. The score for this variant resulted in a classification of benign for this disease.

Breakthrough Genomics
Classification: Benign. Review status: criteria provided, single submitter. Criteria: ACMG Guidelines, 2015. Collection method: not provided. Allele origin: germline. Inheritance: Autosomal recessive inheritance. Affected: yes.

PreventionGenetics, part of Exact Sciences
Classification: Benign. Review status: criteria provided, single submitter. Criteria: ACMG Guidelines, 2015. Collection method: clinical testing. Allele origin: germline.

NM_025074.7(FRAS1):c.8745C>T (p.Phe2915=)

Gene: FRAS1 (Fraser extracellular matrix complex subunit 1; plus strand). Cytogenetic location: 4q21.21.
Variant type: single nucleotide variant.
Coding change: c.8745C>T on transcript NM_025074.7 (MANE Select); coding-DNA position 8745, C replaced by T.
Protein change: p.Phe2915=; no amino-acid change (phenylalanine 2915 retained).
Molecular consequence: synonymous variant.
Genome position (GRCh38, 1-based): chr4:78,482,528, C>T. VCF-style: chr4-78482528-C-T. GRCh37 (hg19) VCF-style: chr4-79403682-C-T.
Other names: p.Phe2915=.
Identifiers: ClinVar variation 261816 (VCV000261816.16), dbSNP rs41327848, ClinGen allele CA2978475.
Genomic context (GRCh38, chr4:78,482,528, plus strand): 5'-AGCACAAGGAGCCGAACTGACCAAACCCTTCCAGGCAGTCATTGCAATTAATGACACATT[C>T]CAAGATGGTAAGAGATTGGGGATGCCAGCTGGTAGGTCCAAATATATTTCTATTTTTTCT-3'
Protein context (NP_079350.5, residues 2905-2925): FQAVIAINDT[Phe2915=]QDVPSMQFAK